The following is an entry in ClinVar:

NM_007289.4(MME):c.1379G>C (p.Trp460Ser)

Gene: MME (membrane metalloendopeptidase; plus strand). Cytogenetic location: 3q25.2.
Variant type: single nucleotide variant.
Coding change: c.1379G>C on transcript NM_007289.4 (MANE Select); coding-DNA position 1379, G replaced by C.
Protein change: p.Trp460Ser; replaces tryptophan 460 with serine.
Molecular consequence: missense variant.
Genome position (GRCh38, 1-based): chr3:155,144,420, G>C. VCF-style: chr3-155144420-G-C. GRCh37 (hg19) VCF-style: chr3-154862209-G-C.
Other names: c.1379G>C, p.Trp460Ser (NM_000902.5, NM_001354642.2, NM_001354643.1 and 2 more transcripts); short protein forms W460S.
Identifiers: ClinVar variation 4537611 (VCV004537611.1).
Genomic context (GRCh38, chr3:155,144,420, plus strand): 5'-TCGAGGATTTGATTGCACAGATCCGAGAAGTTTTTATTCAGACTTTAGATGACCTCACTT[G>C]GATGGATGCCGAGACAAAAAAGAGAGCTGAAGAAAAGGTAAAGAGCAGACAGCTAACTAG-3'
Protein context (NP_009220.2, residues 450-470): VFIQTLDDLT[Trp460Ser]MDAETKKRAE

ClinVar aggregate classification (germline): Uncertain significance (1 of 4 stars; one submission).

Submission:

GeneDx
Classification: Uncertain significance. Last evaluated: 2025-06-11. Review status: criteria provided, single submitter. Criteria: GeneDx Variant Classification Process June 2021. Collection method: clinical testing. Allele origin: germline. Affected: yes.
Comment: Not observed at significant frequency in large population cohorts (gnomAD); In silico analysis supports that this missense variant has a deleterious effect on protein structure/function; Has not been previously published as pathogenic or benign to our knowledge